The following is an entry in ClinVar:

NM_017849.4(TMEM127):c.353C>G (p.Pro118Arg)

Gene: TMEM127 (transmembrane protein 127; minus strand). Cytogenetic location: 2q11.2.
Variant type: single nucleotide variant.
Coding change: c.353C>G on transcript NM_017849.4 (MANE Select); coding-DNA position 353, C replaced by G.
Protein change: p.Pro118Arg; replaces proline 118 with arginine.
Molecular consequence: missense variant.
Genome position (GRCh38, 1-based): chr2:96,254,889, G>C on the plus strand (C>G on the coding strand, the complement: TMEM127 is on the minus strand). VCF-style: chr2-96254889-G-C. GRCh37 (hg19) VCF-style: chr2-96920627-G-C.
Other names: c.353C>G, p.Pro118Arg (NM_001193304.3); c.101C>G, p.Pro34Arg (NM_001407282.1, NM_001407283.1); short protein forms P118R, P34R.
Identifiers: ClinVar variation 3807750 (VCV003807750.1).

ClinVar aggregate classification (germline): Uncertain significance (1 of 4 stars; one submission).

Conditions:
Hereditary cancer-predisposing syndrome. Also called: Neoplastic Syndromes, Hereditary; Hereditary Cancer Syndrome; Tumor predisposition; Hereditary neoplastic syndrome. Identifiers: Orphanet 140162, MedGen C0027672, MeSH D009386, MONDO:0015356.

gnomAD v4.1: 1 of 1,614,078 alleles (0.000062%); highest among the groups gnomAD compares: Non-Finnish European, 0.000085%; no homozygotes.

Submission:

Ambry Genetics
Classification: Uncertain significance for Hereditary cancer-predisposing syndrome. Last evaluated: 2025-02-03. Review status: criteria provided, single submitter. Criteria: Ambry Variant Classification Scheme 2023. Collection method: clinical testing. Allele origin: germline.
Comment: The p.P118R variant (also known as c.353C>G), located in coding exon 2 of the TMEM127 gene, results from a C to G substitution at nucleotide position 353. The proline at codon 118 is replaced by arginine, an amino acid with dissimilar properties. This amino acid position is conserved. In addition, this alteration is predicted to be deleterious by in silico analysis. Based on the available evidence, the clinical significance of this variant remains unclear.